The following is an entry in ClinVar:

NM_001854.4(COL11A1):c.2219A>G (p.Gln740Arg)

Gene: COL11A1 (collagen type XI alpha 1 chain; minus strand). Cytogenetic location: 1p21.1.
Variant type: single nucleotide variant.
Coding change: c.2219A>G on transcript NM_001854.4 (MANE Select); coding-DNA position 2219, A replaced by G.
Protein change: p.Gln740Arg; replaces glutamine 740 with arginine.
Molecular consequence: missense variant. On other transcripts: non-coding transcript variant (1).
Genome position (GRCh38, 1-based): chr1:102,997,102, T>C on the plus strand (A>G on the coding strand, the complement: COL11A1 is on the minus strand). VCF-style: chr1-102997102-T-C. GRCh37 (hg19) VCF-style: chr1-103462658-T-C.
Other names: c.2102A>G, p.Gln701Arg (NM_001190709.2); c.2255A>G, p.Gln752Arg (NM_080629.3); c.1871A>G, p.Gln624Arg (NM_080630.4); short protein forms Q624R, Q701R, Q740R, Q752R.
Identifiers: ClinVar variation 1446586 (VCV001446586.9), dbSNP rs2101800898, ClinGen allele CA341169444.

ClinVar aggregate classification (germline): Uncertain significance. Review status: criteria provided, multiple submitters, no conflicts (2 of 4 stars). 2 submissions from 2 submitters: Uncertain significance (2). Last evaluated 2025-11-27.

Allele frequency attached by ClinVar (database versions not stated): gnomAD exomes below 0.00001.
gnomAD v4.1: 1 of 1,612,028 alleles (0.000062%); highest among the groups gnomAD compares: Non-Finnish European, 0.000085%; no homozygotes.

Submissions (2):

Labcorp Genetics (formerly Invitae), Labcorp
Classification: Uncertain significance. Last evaluated: 2025-11-27. Review status: criteria provided, single submitter. Criteria: Invitae Variant Classification Sherloc (09022015). Collection method: clinical testing. Allele origin: germline.
Comment: This sequence change replaces glutamine, which is neutral and polar, with arginine, which is basic and polar, at codon 740 of the COL11A1 protein (p.Gln740Arg). This variant is not present in population databases (gnomAD no frequency). This variant has not been reported in the literature in individuals affected with COL11A1-related conditions. ClinVar contains an entry for this variant (Variation ID: 1446586). Invitae Evidence Modeling of protein sequence and biophysical properties (such as structural, functional, and spatial information, amino acid conservation, physicochemical variation, residue mobility, and thermodynamic stability) indicates that this missense variant is not expected to disrupt COL11A1 protein function with a negative predictive value of 80%. In summary, the available evidence is currently insufficient to determine the role of this variant in disease. Therefore, it has been classified as a Variant of Uncertain Significance.

Blueprint Genetics
Classification: Uncertain significance. Last evaluated: 2019-05-07. Review status: criteria provided, single submitter. Criteria: ACMG Guidelines, 2015. Collection method: clinical testing. Allele origin: germline.